The following is an entry in ClinVar:

NM_001369.3(DNAH5):c.5272-1G>A

Gene: DNAH5 (dynein axonemal heavy chain 5; minus strand). Cytogenetic location: 5p15.2.
Variant type: single nucleotide variant.
Coding change: c.5272-1G>A on transcript NM_001369.3 (MANE Select); the canonical splice acceptor site of the intron before coding-DNA position 5272, G replaced by A.
Molecular consequence: splice acceptor variant.
Genome position (GRCh38, 1-based): chr5:13,841,905, C>T on the plus strand (G>A on the coding strand, the complement: DNAH5 is on the minus strand). VCF-style: chr5-13841905-C-T. GRCh37 (hg19) VCF-style: chr5-13842014-C-T.
Identifiers: ClinVar variation 2852992 (VCV002852992.3), dbSNP rs1765221562, ClinGen allele CA359212572.
Genomic context (GRCh38, chr5:13,841,905, plus strand): 5'-TTTATCCAATTCAATCGTCTCACCCTCTTGAGAGGAAATTGACAGAATTCGATCATAGAT[C>T]TATGTTAGAAACCAAAAAAAAAAAAAAAAAAAGCTATAGTCATATAAAAAGTAAAAACTA-3'

ClinVar aggregate classification (germline): Likely pathogenic (1 of 4 stars; one submission).

Conditions:
Primary ciliary dyskinesia. Also called: Ciliary dyskinesia. Identifiers: Orphanet 244, MedGen C0008780, MONDO:0016575, HP:0012265.

Submission:

Labcorp Genetics (formerly Invitae), Labcorp
Classification: Likely pathogenic for Primary ciliary dyskinesia. Last evaluated: 2023-04-16. Review status: criteria provided, single submitter. Criteria: Invitae Variant Classification Sherloc (09022015). Collection method: clinical testing. Allele origin: germline.
Comment: This sequence change affects an acceptor splice site in intron 32 of the DNAH5 gene. It is expected to disrupt RNA splicing. Variants that disrupt the donor or acceptor splice site typically lead to a loss of protein function (PMID: 16199547), and loss-of-function variants in DNAH5 are known to be pathogenic (PMID: 11788826, 16627867). This variant is not present in population databases (gnomAD no frequency). This variant has not been reported in the literature in individuals affected with DNAH5-related conditions. Algorithms developed to predict the effect of sequence changes on RNA splicing suggest that this variant may disrupt the consensus splice site. In summary, the currently available evidence indicates that the variant is pathogenic, but additional data are needed to prove that conclusively. Therefore, this variant has been classified as Likely Pathogenic.

Literature cited by the submitters: PubMed 16199547; PubMed 11788826; PubMed 16627867.